The following is an entry in ClinVar:

ClinVar aggregate classification (germline): Uncertain significance. Review status: criteria provided, multiple submitters, no conflicts (2 of 4 stars). 2 submissions from 2 submitters: Uncertain significance (2). Last evaluated 2021-05-20.

Conditions:
Familial adenomatous polyposis 1 (FAP1). Also called: FAMILIAL ADENOMATOUS POLYPOSIS 1, ATTENUATED; POLYPOSIS, ADENOMATOUS INTESTINAL. Identifiers: MedGen C2713442, MONDO:0021056, OMIM 175100. Disease mechanism: loss of function.
Hereditary cancer-predisposing syndrome. Also called: Hereditary neoplastic syndrome; Neoplastic Syndromes, Hereditary; Tumor predisposition; Hereditary Cancer Syndrome. Identifiers: Orphanet 140162, MedGen C0027672, MeSH D009386, MONDO:0015356.

Submissions (2):

Ambry Genetics
Classification: Uncertain significance for Hereditary cancer-predisposing syndrome. Last evaluated: 2021-05-20. Review status: criteria provided, single submitter. Criteria: Ambry Variant Classification Scheme 2023. Collection method: clinical testing. Allele origin: germline.
Comment: The p.S843N variant (also known as c.2528G>A), located in coding exon 15 of the APC gene, results from a G to A substitution at nucleotide position 2528. The serine at codon 843 is replaced by asparagine, an amino acid with highly similar properties. This amino acid position is well conserved in available vertebrate species. In addition, in silico predictors for this gene do not accurately predict pathogenicity. Since supporting evidence is limited at this time, the clinical significance of this alteration remains unclear.

Labcorp Genetics (formerly Invitae), Labcorp
Classification: Uncertain significance for Familial adenomatous polyposis 1. Last evaluated: 2019-07-04. Review status: criteria provided, single submitter. Criteria: Invitae Variant Classification Sherloc (09022015). Collection method: clinical testing. Allele origin: germline.
Comment: In summary, the available evidence is currently insufficient to determine the role of this variant in disease. Therefore, it has been classified as a Variant of Uncertain Significance. Algorithms developed to predict the effect of missense changes on protein structure and function (SIFT, PolyPhen-2, Align-GVGD) all suggest that this variant is likely to be tolerated, but these predictions have not been confirmed by published functional studies and their clinical significance is uncertain. This variant has not been reported in the literature in individuals with APC-related conditions. This variant is not present in population databases (ExAC no frequency). This sequence change replaces serine with asparagine at codon 843 of the APC protein (p.Ser843Asn). The serine residue is moderately conserved and there is a small physicochemical difference between serine and asparagine.

NM_000038.6(APC):c.2528G>A (p.Ser843Asn)

Gene: APC (APC regulator of Wnt signaling pathway; plus strand). Cytogenetic location: 5q22.2.
Variant type: single nucleotide variant.
Coding change: c.2528G>A on transcript NM_000038.6 (MANE Select); coding-DNA position 2528, G replaced by A.
Protein change: p.Ser843Asn; replaces serine 843 with asparagine.
Molecular consequence: missense variant.
Genome position (GRCh38, 1-based): chr5:112,838,122, G>A. VCF-style: chr5-112838122-G-A. GRCh37 (hg19) VCF-style: chr5-112173819-G-A.
Other names: c.2528G>A, p.Ser843Asn (NM_001127510.3, NM_001354895.2); c.2474G>A, p.Ser825Asn (NM_001127511.3); c.2582G>A, p.Ser861Asn (NM_001354896.2); c.2558G>A, p.Ser853Asn (NM_001354897.2); c.2453G>A, p.Ser818Asn (NM_001354898.2); c.2444G>A, p.Ser815Asn (NM_001354899.2); c.2405G>A, p.Ser802Asn (NM_001354900.2); c.2351G>A, p.Ser784Asn (NM_001354901.2); and 5 more; short protein forms S683N, S717N, S802N, S818N, S825N, S742N, S815N, S843N.
Identifiers: ClinVar variation 941349 (VCV000941349.13), dbSNP rs1765204069, ClinGen allele CA16026870.
Genomic context (GRCh38, chr5:112,838,122, plus strand): 5'-CACCATATTTGAATACTACAGTGTTACCCAGCTCCTCTTCATCAAGAGGAAGCTTAGATA[G>A]TTCTCGTTCTGAAAAAGATAGAAGTTTGGAGAGAGAACGCGGAATTGGTCTAGGCAACTA-3'
Protein context (NP_000029.2, residues 833-853): SSSSSRGSLD[Ser843Asn]SRSEKDRSLE